The following is an entry in ClinVar:

ClinVar aggregate classification (germline): Uncertain significance. Review status: criteria provided, multiple submitters, no conflicts (2 of 4 stars). 2 submissions from 2 submitters: Uncertain significance (2). Last evaluated 2025-10-23.

Conditions:
Hereditary cancer-predisposing syndrome. Also called: Neoplastic Syndromes, Hereditary; Hereditary Cancer Syndrome; Hereditary neoplastic syndrome; Tumor predisposition. Identifiers: Orphanet 140162, MedGen C0027672, MeSH D009386, MONDO:0015356.
Fanconi anemia complementation group O. Also called: RAD51C-Related Fanconi Anemia. Identifiers: Orphanet 84, MedGen C3150653, MONDO:0013248, OMIM 613390.

Submissions (2):

Labcorp Genetics (formerly Invitae), Labcorp
Classification: Uncertain significance for Fanconi anemia complementation group O. Last evaluated: 2025-10-23. Review status: criteria provided, single submitter. Criteria: Invitae Variant Classification Sherloc (09022015). Collection method: clinical testing. Allele origin: germline.
Comment: This sequence change replaces serine, which is neutral and polar, with proline, which is neutral and non-polar, at codon 206 of the RAD51C protein (p.Ser206Pro). This variant is not present in population databases (gnomAD no frequency). This variant has not been reported in the literature in individuals affected with RAD51C-related conditions. ClinVar contains an entry for this variant (Variation ID: 826220). Invitae Evidence Modeling of protein sequence and biophysical properties (such as structural, functional, and spatial information, amino acid conservation, physicochemical variation, residue mobility, and thermodynamic stability) indicates that this missense variant is expected to disrupt RAD51C protein function with a positive predictive value of 80%. In summary, the available evidence is currently insufficient to determine the role of this variant in disease. Therefore, it has been classified as a Variant of Uncertain Significance.

Ambry Genetics
Classification: Uncertain significance for Hereditary cancer-predisposing syndrome. Last evaluated: 2023-03-08. Review status: criteria provided, single submitter. Criteria: Ambry Variant Classification Scheme 2023. Collection method: clinical testing. Allele origin: germline.
Comment: The p.S206P variant (also known as c.616T>C), located in coding exon 4 of the RAD51C gene, results from a T to C substitution at nucleotide position 616. The serine at codon 206 is replaced by proline, an amino acid with similar properties. This amino acid position is well conserved in available vertebrate species. In addition, the in silico prediction for this alteration is inconclusive. Since supporting evidence is limited at this time, the clinical significance of this alteration remains unclear.

NM_058216.3(RAD51C):c.616T>C (p.Ser206Pro)

Genes: RAD51C (RAD51 paralog C; plus strand), LOC129390903 (MPRA-validated peak2919 silencer; plus strand). Cytogenetic location: 17q22.
Variant type: single nucleotide variant.
Coding change: c.616T>C on transcript NM_058216.3 (MANE Select); coding-DNA position 616, T replaced by C.
Protein change: p.Ser206Pro; replaces serine 206 with proline.
Molecular consequence: missense variant. On other transcripts: non-coding transcript variant (1).
Genome position (GRCh38, 1-based): chr17:58,703,240, T>C. VCF-style: chr17-58703240-T-C. GRCh37 (hg19) VCF-style: chr17-56780601-T-C.
Other names: short protein forms S206P.
Identifiers: ClinVar variation 826220 (VCV000826220.6), dbSNP rs1598473235, ClinGen allele CA400349355.